The following is an entry in ClinVar:

ClinVar aggregate classification (germline): Uncertain significance (1 of 4 stars; one submission).

Conditions:
Cardiovascular phenotype. Identifiers: MedGen CN230736.

Submission:

Ambry Genetics
Classification: Uncertain significance for Cardiovascular phenotype. Last evaluated: 2021-05-26. Review status: criteria provided, single submitter. Criteria: Ambry Variant Classification Scheme 2023. Collection method: clinical testing. Allele origin: germline.
Comment: The p.H632P variant (also known as c.1895A>C), located in coding exon 14 of the DSP gene, results from an A to C substitution at nucleotide position 1895. The histidine at codon 632 is replaced by proline, an amino acid with similar properties. This amino acid position is not well conserved in available vertebrate species. In addition, this alteration is predicted to be tolerated by in silico analysis. Since supporting evidence is limited at this time, the clinical significance of this alteration remains unclear.

NM_004415.4(DSP):c.1895A>C (p.His632Pro)

Gene: DSP (desmoplakin; plus strand). Cytogenetic location: 6p24.3.
Variant type: single nucleotide variant.
Coding change: c.1895A>C on transcript NM_004415.4 (MANE Select); coding-DNA position 1895, A replaced by C.
Protein change: p.His632Pro; replaces histidine 632 with proline.
Molecular consequence: missense variant.
Genome position (GRCh38, 1-based): chr6:7,571,576, A>C. VCF-style: chr6-7571576-A-C. GRCh37 (hg19) VCF-style: chr6-7571809-A-C.
Other names: c.1895A>C, p.His632Pro (NM_001008844.3, NM_001319034.2); short protein forms H632P.
Identifiers: ClinVar variation 1782133 (VCV001782133.2), dbSNP rs2533894671, ClinGen allele CA362679827.